The following is an entry in ClinVar:

NM_000044.6(AR):c.172C>T (p.Gln58Ter)

Genes: AR (androgen receptor; plus strand), LOC109504725 (androgen receptor repeat instability region; plus strand). Cytogenetic location: Xq12.
Variant type: single nucleotide variant.
Coding change: c.172C>T on transcript NM_000044.6 (MANE Select); coding-DNA position 172, C replaced by T.
Protein change: p.Gln58Ter; replaces glutamine 58 with a stop codon.
Molecular consequence: nonsense. On other transcripts: 5 prime UTR variant (1).
Genome position (GRCh38, 1-based): chrX:67,545,318, C>T. VCF-style: chrX-67545318-C-T. GRCh37 (hg19) VCF-style: chrX-66765160-C-T.
Other names: c.-1612C>T (NM_001011645.3); c.172C>T, p.Gln58Ter (NM_001348061.1, NM_001348063.1, NM_001348064.1); short protein forms Q58*.
Identifiers: ClinVar variation 4686135 (VCV004686135.1).

ClinVar aggregate classification (germline): Pathogenic (1 of 4 stars; one submission).

Submission:

GeneDx
Classification: Pathogenic. Last evaluated: 2025-07-14. Review status: criteria provided, single submitter. Criteria: GeneDx Variant Classification Process June 2021. Collection method: clinical testing. Allele origin: germline. Affected: yes.
Comment: Reported in the Cambridge AR Database (CAIS) (PMID: 23044881); Nonsense variant predicted to result in protein truncation or nonsense mediated decay in a gene for which loss of function is a known mechanism of disease; Not observed at significant frequency in large population cohorts (gnomAD); This variant is associated with the following publications: (PMID: 23044881, 37168556)